The following is an entry in ClinVar:

ClinVar aggregate classification (germline): Uncertain significance (1 of 4 stars; one submission).

Submission:

Women's Health and Genetics/Laboratory Corporation of America, LabCorp
Classification: Uncertain significance. Last evaluated: 2025-11-07. Review status: criteria provided, single submitter. Criteria: LabCorp Variant Classification Summary - May 2015. Collection method: clinical testing. Allele origin: germline.
Comment: Variant summary: ARSA c.109G>A (p.Asp37Asn) results in a conservative amino acid change in the encoded protein sequence. Algorithms developed to predict the effect of missense changes on protein structure and function are either unavailable or do not agree on the potential impact of this missense change. The variant was absent in 165432 control chromosomes. The available data on variant occurrences in the general population are insufficient to allow any conclusion about variant significance. To our knowledge, no occurrence of c.109G>A in individuals affected with ARSA-related conditions and no experimental evidence demonstrating its impact on protein function have been reported. No submitters have cited clinical-significance assessments for this variant to ClinVar. Based on the evidence outlined above, the variant was classified as uncertain significance.

NM_000487.6(ARSA):c.109G>A (p.Asp37Asn)

Gene: ARSA (arylsulfatase A; minus strand). Cytogenetic location: 22q13.33.
Variant type: single nucleotide variant.
Coding change: c.109G>A on transcript NM_000487.6 (MANE Select); coding-DNA position 109, G replaced by A.
Protein change: p.Asp37Asn; replaces aspartic acid 37 with asparagine.
Molecular consequence: missense variant. On other transcripts: intron variant (2).
Genome position (GRCh38, 1-based): chr22:50,627,671, C>T on the plus strand (G>A on the coding strand, the complement: ARSA is on the minus strand). VCF-style: chr22-50627671-C-T. GRCh37 (hg19) VCF-style: chr22-51066099-C-T.
Other names: c.109G>A, p.Asp37Asn (NM_001085425.3, NM_001085426.3, NM_001085427.3); c.-34-265G>A (NM_001362782.2, NM_001085428.3); short protein forms D37N.
Identifiers: ClinVar variation 4536951 (VCV004536951.1).